The following is an entry in ClinVar:

ClinVar aggregate classification (germline): Likely benign (1 of 4 stars; one submission).

Allele frequency attached by ClinVar (database versions not stated): gnomAD exomes 0.00017; ExAC 0.00037; gnomAD 0.00103; ESP Exome Variant Server 0.00108; TOPMed 0.00126; 1000 Genomes Project 0.00220; 1000 Genomes Project 30x 0.00234.
gnomAD v4.1: 423 of 1,613,366 alleles (0.026%); highest among the groups gnomAD compares: African/African-American, 0.39%; 2 homozygotes.

Submission:

CeGaT Center for Human Genetics Tuebingen
Classification: Likely benign. Last evaluated: 2022-10-01. Review status: criteria provided, single submitter. Criteria: CeGaT Center For Human Genetics Tuebingen Variant Classification Criteria Version 2. Collection method: clinical testing. Allele origin: germline. Affected: yes. Observed: 1 variant allele.
Comment: ADAMTS12: BP4, BP7

NM_030955.4(ADAMTS12):c.1017C>T (p.His339=)

Gene: ADAMTS12 (ADAM metallopeptidase with thrombospondin type 1 motif 12; minus strand). Cytogenetic location: 5p13.3.
Variant type: single nucleotide variant.
Coding change: c.1017C>T on transcript NM_030955.4 (MANE Select); coding-DNA position 1017, C replaced by T.
Protein change: p.His339=; no amino-acid change (histidine 339 retained).
Molecular consequence: synonymous variant.
Genome position (GRCh38, 1-based): chr5:33,661,939, G>A on the plus strand (C>T on the coding strand, the complement: ADAMTS12 is on the minus strand). VCF-style: chr5-33661939-G-A. GRCh37 (hg19) VCF-style: chr5-33662044-G-A.
Other names: c.1017C>T, p.His339= (NM_001324512.2).
Identifiers: ClinVar variation 2655388 (VCV002655388.24), dbSNP rs78871731, ClinGen allele CA3224759.